The following is an entry in ClinVar:

NM_032444.4(SLX4):c.1513G>A (p.Ala505Thr)

Gene: SLX4 (SLX4 structure-specific endonuclease subunit; minus strand). Cytogenetic location: 16p13.3.
Variant type: single nucleotide variant.
Coding change: c.1513G>A on transcript NM_032444.4 (MANE Select); coding-DNA position 1513, G replaced by A.
Protein change: p.Ala505Thr; replaces alanine 505 with threonine.
Molecular consequence: missense variant.
Genome position (GRCh38, 1-based): chr16:3,597,549, C>T on the plus strand (G>A on the coding strand, the complement: SLX4 is on the minus strand). VCF-style: chr16-3597549-C-T. GRCh37 (hg19) VCF-style: chr16-3647550-C-T.
Other names: short protein forms A505T.
Identifiers: ClinVar variation 929604 (VCV000929604.1), dbSNP rs2040676569, ClinGen allele CA394528918.

ClinVar aggregate classification (germline): Likely benign (0 of 4 stars; one submission).

Submission:

Leiden Open Variation Database
Classification: Likely benign. Last evaluated: 2012-08-31. Review status: no assertion criteria provided. Collection method: curation. Allele origin: germline. Affected: yes.
Comment: Curator: Arleen D. Auerbach. Submitter to LOVD: Janine Bakker.

Literature cited by the submitters: PubMed 22911665.